The following is an entry in ClinVar:

NM_001687.5(ATP5F1D):c.393G>C (p.Lys131Asn)

Gene: ATP5F1D (ATP synthase F1 subunit delta; plus strand). Cytogenetic location: 19p13.3.
Variant type: single nucleotide variant.
Coding change: c.393G>C on transcript NM_001687.5 (MANE Select); coding-DNA position 393, G replaced by C.
Protein change: p.Lys131Asn; replaces lysine 131 with asparagine.
Molecular consequence: missense variant.
Genome position (GRCh38, 1-based): chr19:1,244,323, G>C. VCF-style: chr19-1244323-G-C. GRCh37 (hg19) VCF-style: chr19-1244322-G-C.
Other names: c.393G>C, p.Lys131Asn (NM_001001975.2); short protein forms K131N.
Identifiers: ClinVar variation 2082540 (VCV002082540.5), dbSNP rs776123691, ClinGen allele CA304014302.

ClinVar aggregate classification (germline): Uncertain significance. Review status: criteria provided, multiple submitters, no conflicts (2 of 4 stars). 2 submissions from 2 submitters: Uncertain significance (2). Last evaluated 2026-08-06.

Conditions:
Mitochondrial complex V (ATP synthase) deficiency, nuclear type 5. Also called: MITOCHONDRIAL COMPLEX V (ATP SYNTHASE) DEFICIENCY, ATP5F1D TYPE; Mitochondrial complex 5 (ATP synthase) deficiency nuclear type 5. Identifiers: MedGen C4748269, MONDO:0020858, OMIM 618120.

gnomAD v4.1: 15 of 1,593,530 alleles (0.00094%); highest among the groups gnomAD compares: African/African-American, 0.015%; no homozygotes.

Submissions (2):

OLLIN Analises Genomicas, OLLIN
Classification: Uncertain significance for Mitochondrial complex V (ATP synthase) deficiency, nuclear type 5. Last evaluated: 2026-08-06. Review status: criteria provided, single submitter. Criteria: ACMG Guidelines 2015 PMID 25741868. Collection method: clinical testing. Allele origin: germline.
Comment: This missense variant, located in exon 4 (of 4), has been reported in ClinVar (accession VCV002082540.4) and in gnomAD with an allele frequency of 0.00094%. However, to our knowledge, it has not been reported in the scientific literature. In silico analysis predicts that this variant has a tolerated effect. According to the currently available evidence, this variant has been classified as uncertain significance (PM2_P, BP4_M).

Labcorp Genetics (formerly Invitae), Labcorp
Classification: Uncertain significance. Last evaluated: 2024-01-17. Review status: criteria provided, single submitter. Criteria: Invitae Variant Classification Sherloc (09022015). Collection method: clinical testing. Allele origin: germline.
Comment: This sequence change replaces lysine, which is basic and polar, with asparagine, which is neutral and polar, at codon 131 of the ATP5D protein (p.Lys131Asn). This variant is present in population databases (no rsID available, gnomAD 0.01%). This variant has not been reported in the literature in individuals affected with ATP5D-related conditions. ClinVar contains an entry for this variant (Variation ID: 2082540). An algorithm developed to predict the effect of missense changes on protein structure and function (PolyPhen-2) suggests that this variant is likely to be tolerated. In summary, the available evidence is currently insufficient to determine the role of this variant in disease. Therefore, it has been classified as a Variant of Uncertain Significance.